The following is an entry in ClinVar:

NM_000232.5(SGCB):c.592T>G (p.Leu198Val)

Gene: SGCB (sarcoglycan beta; minus strand). Cytogenetic location: 4q12.
Variant type: single nucleotide variant.
Coding change: c.592T>G on transcript NM_000232.5 (MANE Select); coding-DNA position 592, T replaced by G.
Protein change: p.Leu198Val; replaces leucine 198 with valine.
Molecular consequence: missense variant.
Genome position (GRCh38, 1-based): chr4:52,028,759, A>C on the plus strand (T>G on the coding strand, the complement: SGCB is on the minus strand). VCF-style: chr4-52028759-A-C. GRCh37 (hg19) VCF-style: chr4-52894925-A-C.
Other names: short protein forms L198V.
Identifiers: ClinVar variation 2003328 (VCV002003328.4), dbSNP rs1737174651, ClinGen allele CA356876577.
Genomic context (GRCh38, chr4:52,028,759, plus strand): 5'-CCATTAGTAAAACAAAGCCAATAAATCATACCCTTTCAGTAGATGCCTTTTGAACATTCA[A>C]ACTTTTCACTCCACTTGGCAAATGAAACTCATGAGTTTCATAGTCTGTGCTGAATAAGAT-3'
Protein context (NP_000223.1, residues 188-208): EFHLPSGVKS[Leu198Val]NVQKASTERI

ClinVar aggregate classification (germline): Uncertain significance (1 of 4 stars; one submission).

Conditions:
Autosomal recessive limb-girdle muscular dystrophy type 2E (LGMDR4). Also called: MUSCULAR DYSTROPHY, LIMB-GIRDLE, AUTOSOMAL RECESSIVE 4. Identifiers: Orphanet 119, MedGen C1858593, MONDO:0011423, OMIM 604286. Disease mechanism: Affects gamma-sarcoglycan and also disrupts the integrity of the entire sarcoglycan complex..

Submission:

Labcorp Genetics (formerly Invitae), Labcorp
Classification: Uncertain significance for Autosomal recessive limb-girdle muscular dystrophy type 2E. Last evaluated: 2024-06-17. Review status: criteria provided, single submitter. Criteria: Invitae Variant Classification Sherloc (09022015). Collection method: clinical testing. Allele origin: germline.
Comment: This sequence change replaces leucine, which is neutral and non-polar, with valine, which is neutral and non-polar, at codon 198 of the SGCB protein (p.Leu198Val). This variant is not present in population databases (gnomAD no frequency). This variant has not been reported in the literature in individuals affected with SGCB-related conditions. ClinVar contains an entry for this variant (Variation ID: 2003328). Advanced modeling of protein sequence and biophysical properties (such as structural, functional, and spatial information, amino acid conservation, physicochemical variation, residue mobility, and thermodynamic stability) performed at Invitae indicates that this missense variant is not expected to disrupt SGCB protein function with a negative predictive value of 80%. In summary, the available evidence is currently insufficient to determine the role of this variant in disease. Therefore, it has been classified as a Variant of Uncertain Significance.